The following is an entry in ClinVar:

ClinVar aggregate classification (germline): Uncertain significance (1 of 4 stars; one submission).

Conditions:
Autosomal recessive spastic paraplegia type 78. Identifiers: Orphanet 513436, MedGen C5567893, MONDO:0014975, OMIM 617225.
Kufor-Rakeb syndrome (KRS). Also called: PARKINSON DISEASE 9, AUTOSOMAL RECESSIVE, JUVENILE-ONSET. Identifiers: Orphanet 306674, Orphanet 314632, MedGen C1847640, MONDO:0011706, OMIM 606693.

gnomAD v4.1: 6 of 1,613,686 alleles (0.00037%); highest among the groups gnomAD compares: Non-Finnish European, 0.00051%; no homozygotes.

Submission:

Labcorp Genetics (formerly Invitae), Labcorp
Classification: Uncertain significance for Kufor-Rakeb syndrome; Autosomal recessive spastic paraplegia type 78. Last evaluated: 2021-09-21. Review status: criteria provided, single submitter. Criteria: Invitae Variant Classification Sherloc (09022015). Collection method: clinical testing. Allele origin: germline.
Comment: In summary, the available evidence is currently insufficient to determine the role of this variant in disease. Therefore, it has been classified as a Variant of Uncertain Significance. Advanced modeling of protein sequence and biophysical properties (such as structural, functional, and spatial information, amino acid conservation, physicochemical variation, residue mobility, and thermodynamic stability) performed at Invitae indicates that this missense variant is not expected to disrupt ATP13A2 protein function. This variant has not been reported in the literature in individuals affected with ATP13A2-related conditions. This variant is not present in population databases (ExAC no frequency). This sequence change replaces valine with alanine at codon 976 of the ATP13A2 protein (p.Val976Ala). The valine residue is weakly conserved and there is a small physicochemical difference between valine and alanine.

NM_022089.4(ATP13A2):c.2927T>C (p.Val976Ala)

Gene: ATP13A2 (ATPase cation transporting 13A2; minus strand). Cytogenetic location: 1p36.13.
Variant type: single nucleotide variant.
Coding change: c.2927T>C on transcript NM_022089.4 (MANE Select); coding-DNA position 2927, T replaced by C.
Protein change: p.Val976Ala; replaces valine 976 with alanine.
Molecular consequence: missense variant.
Genome position (GRCh38, 1-based): chr1:16,987,202, A>G on the plus strand (T>C on the coding strand, the complement: ATP13A2 is on the minus strand). VCF-style: chr1-16987202-A-G. GRCh37 (hg19) VCF-style: chr1-17313697-A-G.
Other names: c.2912T>C, p.Val971Ala (NM_001141973.3); c.2795T>C, p.Val932Ala (NM_001141974.3); short protein forms V971A, V976A, V932A.
Identifiers: ClinVar variation 1434550 (VCV001434550.5), dbSNP rs776148733, ClinGen allele CA338235350.